The following is an entry in ClinVar:

ClinVar aggregate classification (germline): Uncertain significance. Review status: criteria provided, multiple submitters, no conflicts (2 of 4 stars). 4 submissions from 4 submitters: Uncertain significance (3). 1 of the submissions does not count toward it. Last evaluated 2022-03-10.

Conditions:
Neuronal ceroid lipofuscinosis 5 (CLN5). Also called: CEROID LIPOFUSCINOSIS, NEURONAL, 5, VARIABLE AGE AT ONSET; Neuronal ceroid lipofuscinosis Finnish variant; NEURONAL CEROID LIPOFUSCINOSIS, LATE INFANTILE, FINNISH VARIANT; CLN5-Related Neuronal Ceroid-Lipofuscinosis. Identifiers: Orphanet 168491, Orphanet 228360, MedGen C1850442, MONDO:0009745, OMIM 256731.
Neuronal ceroid lipofuscinosis. Also called: Neuronal Ceroid Lipofuscinoses. Identifiers: Orphanet 216, Orphanet 79263, MedGen C0027877, MONDO:0016295. Disease mechanism: loss of function.

Submissions (4):

Labcorp Genetics (formerly Invitae), Labcorp
Classification: Uncertain significance for Neuronal ceroid lipofuscinosis. Last evaluated: 2022-03-10. Review status: criteria provided, single submitter. Criteria: Invitae Variant Classification Sherloc (09022015). Collection method: clinical testing. Allele origin: germline.
Comment: This sequence change replaces arginine, which is basic and polar, with glutamine, which is neutral and polar, at codon 145 of the CLN5 protein (p.Arg145Gln). This variant is present in population databases (rs201068201, gnomAD 0.02%). This variant has not been reported in the literature in individuals affected with CLN5-related conditions. ClinVar contains an entry for this variant (Variation ID: 1216165). Algorithms developed to predict the effect of missense changes on protein structure and function (SIFT, PolyPhen-2, Align-GVGD) all suggest that this variant is likely to be disruptive. In summary, the available evidence is currently insufficient to determine the role of this variant in disease. Therefore, it has been classified as a Variant of Uncertain Significance.

Fulgent Genetics
Classification: Uncertain significance for Neuronal ceroid lipofuscinosis 5. Last evaluated: 2022-03-01. Review status: criteria provided, single submitter. Criteria: ACMG Guidelines, 2015. Collection method: clinical testing. Allele origin: unknown.

GeneDx
Classification: Uncertain significance. Last evaluated: 2020-06-16. Review status: criteria provided, single submitter. Criteria: GeneDx Variant Classification Process June 2021. Collection method: clinical testing. Allele origin: germline. Affected: yes.
Comment: In silico analysis, which includes protein predictors and evolutionary conservation, supports that this variant does not alter protein structure/function; Has not been previously published as pathogenic or benign to our knowledge

Natera, Inc.
Classification: Uncertain significance for Neuronal ceroid lipofuscinosis. Last evaluated: 2021-07-06. Review status: no assertion criteria provided. Collection method: clinical testing. Allele origin: germline. Not counted in ClinVar's aggregate classification.

NM_006493.4(CLN5):c.287G>A (p.Arg96Gln)

Gene: CLN5 (CLN5 lysosomal BMP synthase; plus strand). Cytogenetic location: 13q22.3.
Variant type: single nucleotide variant.
Coding change: c.287G>A on transcript NM_006493.4 (MANE Select); coding-DNA position 287, G replaced by A.
Protein change: p.Arg96Gln; replaces arginine 96 with glutamine.
Molecular consequence: missense variant.
Genome position (GRCh38, 1-based): chr13:76,995,176, G>A. VCF-style: chr13-76995176-G-A. GRCh37 (hg19) VCF-style: chr13-77569311-G-A.
Other names: c.287G>A, p.Arg96Gln (NM_001366624.2); short protein forms R96Q.
Identifiers: ClinVar variation 1216165 (VCV001216165.7), dbSNP rs201068201, ClinGen allele CA7007174.